The following is an entry in ClinVar:

NM_001387777.1(TNS1):c.2438C>T (p.Thr813Ile)

Gene: TNS1 (tensin 1; minus strand). Cytogenetic location: 2q35.
Variant type: single nucleotide variant.
Coding change: c.2438C>T on transcript NM_001387777.1 (MANE Select); coding-DNA position 2438, C replaced by T.
Protein change: p.Thr813Ile; replaces threonine 813 with isoleucine.
Molecular consequence: missense variant.
Genome position (GRCh38, 1-based): chr2:217,848,079, G>A on the plus strand (C>T on the coding strand, the complement: TNS1 is on the minus strand). VCF-style: chr2-217848079-G-A. GRCh37 (hg19) VCF-style: chr2-218712802-G-A.
Other names: c.2063C>T (NM_022648.4); c.2063C>T, p.Thr688Ile (NM_001308022.2, NM_001308023.2, NM_022648.7); short protein forms T688I, T813I.
Identifiers: ClinVar variation 3052411 (VCV003052411.3), dbSNP rs61745187, ClinGen allele CA2100237.

ClinVar aggregate classification (germline): Uncertain significance. Review status: criteria provided, single submitter (1 of 4 stars). 2 submissions from 2 submitters: Uncertain significance (1). 1 of the submissions does not count toward it. Last evaluated 2025-09-28.

Conditions:
TNS1-related disorder. Also called: TNS1-related condition.

Allele frequency attached by ClinVar (database versions not stated): ESP Exome Variant Server 0.00254; 1000 Genomes Project 30x 0.00312; 1000 Genomes Project 0.00280.
gnomAD v4.1: 608 of 1,548,696 alleles (0.039%); highest among the groups gnomAD compares: African/African-American, 0.72%; 5 homozygotes.

Submissions (2):

Ambry Genetics
Classification: Uncertain significance. Last evaluated: 2025-09-28. Review status: criteria provided, single submitter. Criteria: Ambry Variant Classification Scheme 2023. Collection method: clinical testing. Allele origin: germline.

PreventionGenetics, part of Exact Sciences
Classification: Benign for TNS1-related condition. Last evaluated: 2019-05-06. Review status: no assertion criteria provided. Collection method: clinical testing. Allele origin: germline. Not counted in ClinVar's aggregate classification.
Comment: This variant is classified as benign based on ACMG/AMP sequence variant interpretation guidelines (Richards et al. 2015 PMID: 25741868, with internal and published modifications).